The following is an entry in ClinVar:

ClinVar aggregate classification (germline): Uncertain significance (1 of 4 stars; one submission).

Submission:

Ambry Genetics
Classification: Uncertain significance. Last evaluated: 2024-04-26. Review status: criteria provided, single submitter. Criteria: Ambry Variant Classification Scheme 2023. Collection method: clinical testing. Allele origin: germline.
Comment: The p.L254V variant (also known as c.760T>G), located in coding exon 8 of the BUB1 gene, results from a T to G substitution at nucleotide position 760. The leucine at codon 254 is replaced by valine, an amino acid with highly similar properties. This amino acid position is conserved. In addition, this alteration is predicted to be tolerated by in silico analysis. Based on the available evidence, the clinical significance of this variant remains unclear.

NM_004336.5(BUB1):c.760T>G (p.Leu254Val)

Gene: BUB1 (BUB1 mitotic checkpoint serine/threonine kinase; minus strand). Cytogenetic location: 2q13.
Variant type: single nucleotide variant.
Coding change: c.760T>G on transcript NM_004336.5 (MANE Select); coding-DNA position 760, T replaced by G.
Protein change: p.Leu254Val; replaces leucine 254 with valine.
Molecular consequence: missense variant.
Genome position (GRCh38, 1-based): chr2:110,667,566, A>C on the plus strand (T>G on the coding strand, the complement: BUB1 is on the minus strand). VCF-style: chr2-110667566-A-C. GRCh37 (hg19) VCF-style: chr2-111425143-A-C.
Other names: c.700T>G, p.Leu234Val (NM_001278616.2); c.760T>G, p.Leu254Val (NM_001278617.2); short protein forms L234V, L254V.
Identifiers: ClinVar variation 3262147 (VCV003262147.1).